The following is an entry in ClinVar:

NM_002658.6(PLAU):c.308C>T (p.Thr103Met)

Genes: C10orf55 (chromosome 10 putative open reading frame 55; minus strand), PLAU (plasminogen activator, urokinase; plus strand), LOC126860960 (BRD4-independent group 4 enhancer GRCh37_chr10:75672789-75673988; plus strand). Cytogenetic location: 10q22.2.
Variant type: single nucleotide variant.
Coding change: c.308C>T on transcript NM_002658.6 (MANE Select); coding-DNA position 308, C replaced by T.
Protein change: p.Thr103Met; replaces threonine 103 with methionine.
Molecular consequence: missense variant. On other transcripts: non-coding transcript variant (1).
Genome position (GRCh38, 1-based): chr10:73,913,038, C>T. VCF-style: chr10-73913038-C-T. GRCh37 (hg19) VCF-style: chr10-75672796-C-T.
Other names: c.257C>T, p.Thr86Met (NM_001145031.3); c.50C>T, p.Thr17Met (NM_001319191.2); short protein forms T103M, T86M, T17M.
Identifiers: ClinVar variation 300746 (VCV000300746.7), dbSNP rs370278611, ClinGen allele CA5562380.

ClinVar aggregate classification (germline): Conflicting classifications of pathogenicity. Review status: criteria provided, conflicting classifications (1 of 4 stars). 2 submissions from 2 submitters: Uncertain significance (1); Benign (1). Last evaluated 2025-05-04.

Conditions:
Quebec platelet disorder (QPD). Also called: BLEEDING DISORDER, PLATELET-TYPE, 5; FACTOR V QUEBEC. Identifiers: Orphanet 220436, MedGen C1866423, MONDO:0011136, OMIM 601709.

Allele frequency attached by ClinVar (database versions not stated): gnomAD exomes 0.00001; ExAC 0.00002; gnomAD 0.00004; TOPMed 0.00006; ESP Exome Variant Server 0.00015.
gnomAD v4.1: 37 of 1,614,046 alleles (0.0023%); highest among the groups gnomAD compares: African/African-American, 0.008%; no homozygotes.

Submissions (3):

Ambry Genetics
Classification: Uncertain significance. Last evaluated: 2025-05-04. Review status: criteria provided, single submitter. Criteria: Ambry Variant Classification Scheme 2023. Collection method: clinical testing. Allele origin: germline.

Illumina Laboratory Services, Illumina
Classification: Benign for Quebec platelet disorder. Last evaluated: 2018-01-13. Review status: criteria provided, single submitter. Criteria: ICSL Variant Classification Criteria 13 December 2019. Collection method: clinical testing. Allele origin: germline.
Comment: This variant was observed in the ICSL laboratory as part of a predisposition screen in an ostensibly healthy population. It had not been previously curated by ICSL or reported in the Human Gene Mutation Database (HGMD: prior to June 1st, 2018), and was therefore a candidate for classification through an automated scoring system. Utilizing variant allele frequency, disease prevalence and penetrance estimates, and inheritance mode, an automated score was calculated to assess if this variant is too frequent to cause the disease. Based on the score and internal cut-off values, a variant classified as benign is not then subjected to further curation. The score for this variant resulted in a classification of benign for this disease.

Dr. Peter K. Rogan Lab, Western University
No classification provided (evidence only). Condition: Familial cancer of breast. Review status: no classification provided. Collection method: in vitro. Allele origin: not applicable. Functional consequence: retained intron. Not counted in ClinVar's aggregate classification.